The following is an entry in ClinVar:

NM_013450.4(BAZ2B):c.4715C>A (p.Ser1572Ter)

Genes: BAZ2B (bromodomain adjacent to zinc finger domain 2B; minus strand), LOC126806390 (CDK7 strongly-dependent group 2 enhancer GRCh37_chr2:160205700-160206899; plus strand). Cytogenetic location: 2q24.2.
Variant type: single nucleotide variant.
Coding change: c.4715C>A on transcript NM_013450.4 (MANE Select); coding-DNA position 4715, C replaced by A.
Protein change: p.Ser1572Ter; replaces serine 1572 with a stop codon.
Molecular consequence: nonsense.
Genome position (GRCh38, 1-based): chr2:159,349,856, G>T on the plus strand (C>A on the coding strand, the complement: BAZ2B is on the minus strand). VCF-style: chr2-159349856-G-T. GRCh37 (hg19) VCF-style: chr2-160206367-G-T.
Other names: c.4607C>A, p.Ser1536Ter (NM_001289975.1); c.4553C>A, p.Ser1518Ter (NM_001329857.2); c.4640C>A, p.Ser1547Ter (NM_001329858.2); short protein forms S1518*, S1536*, S1547*, S1572*.
Identifiers: ClinVar variation 2633790 (VCV002633790.1), dbSNP rs762892574, ClinGen allele CA348928293.

ClinVar aggregate classification (germline): Uncertain significance (1 of 4 stars; one submission).

Conditions:
BAZ2B-related disorder. Also called: BAZ2B-related condition.

Submission:

PreventionGenetics, part of Exact Sciences
Classification: Uncertain significance for BAZ2B-related condition. Last evaluated: 2023-05-10. Review status: criteria provided, single submitter. Criteria: ACMG Guidelines, 2015. Collection method: clinical testing. Allele origin: germline.
Comment: The BAZ2B c.4607C>A variant is predicted to result in premature protein termination (p.Ser1536*). To our knowledge, this variant has not been reported in the literature or in a large population database, indicating this variant is rare. Although we suspect that this variant may be pathogenic, at this time, the clinical significance of this variant is uncertain due to the absence of conclusive functional and genetic evidence.